The following is an entry in ClinVar:

NM_138694.4(PKHD1):c.7797del (p.Val2600fs)

Gene: PKHD1 (PKHD1 ciliary IPT domain containing fibrocystin/polyductin; minus strand). Cytogenetic location: 6p12.2.
Variant type: Deletion.
Coding change: c.7797del on transcript NM_138694.4 (MANE Select); coding-DNA position 7797, one base deleted (T; older notation c.7797delT).
Protein change: p.Val2600fs; shifts the reading frame from valine 2600.
Molecular consequence: frameshift variant.
Genome position (GRCh38, 1-based): chr6:51,856,007, A deleted on the plus strand (T on the coding strand, the reverse complement: PKHD1 is on the minus strand). VCF-style (leftmost placement, unchanged base first): chr6-51856006-CA-C. GRCh37 (hg19) VCF-style: chr6-51720804-CA-C.
Other names: c.7797del, p.Val2600fs (NM_170724.3); short protein forms V2600fs.
Identifiers: ClinVar variation 4816755 (VCV004816755.1).
Genomic context (GRCh38, chr6:51,856,006, plus strand): 5'-GGTCCAAGAGCAGAGCCATCCAGCCACGAGGGTTAGACAATGTATCACGTACATAATTGA[CA>C]GTGGTTGTTTTATTTCTGCTGTCAGTCATGGTTAAATCATAAGAAACTTCAGGAGTATTC-3'

ClinVar aggregate classification (germline): Likely pathogenic (1 of 4 stars; one submission).

Conditions:
Autosomal recessive polycystic kidney disease (ARPKD). Also called: AR polycystic kidney disease. Identifiers: Orphanet 731, Orphanet 8378, MedGen C0085548, MeSH D017044, MONDO:0009889.

Submission:

Natera, Inc.
Classification: Likely pathogenic for Autosomal recessive polycystic kidney disease. Last evaluated: 2025-12-08. Review status: criteria provided, single submitter. Criteria: Natera Variant Classification Schema (03/2026). Collection method: clinical testing. Allele origin: germline.
Comment: The c.7797del variant in PKHD1 is a frameshift variant predicted to shift the reading frame beginning at codon 2600 and leads to a stop codon 67 codons downstream. This variant is expected to result in nonsense mediated decay, truncation, or a dysfunctional protein product. This variant is rare in the general population with a frequency below the threshold expected for the associated phenotype(s). Given the available evidence, this variant is classified as Likely Pathogenic.